The following is an entry in ClinVar:

NM_031220.4(PITPNM3):c.500C>T (p.Ala167Val)

Gene: PITPNM3 (PITPNM family member 3; minus strand). Cytogenetic location: 17p13.2.
Variant type: single nucleotide variant.
Coding change: c.500C>T on transcript NM_031220.4 (MANE Select); coding-DNA position 500, C replaced by T.
Protein change: p.Ala167Val; replaces alanine 167 with valine.
Molecular consequence: missense variant.
Genome position (GRCh38, 1-based): chr17:6,483,604, G>A on the plus strand (C>T on the coding strand, the complement: PITPNM3 is on the minus strand). VCF-style: chr17-6483604-G-A. GRCh37 (hg19) VCF-style: chr17-6386924-G-A.
Other names: c.392C>T, p.Ala131Val (NM_001165966.2); short protein forms A131V, A167V.
Identifiers: ClinVar variation 4700643 (VCV004700643.1).

ClinVar aggregate classification (germline): Uncertain significance (1 of 4 stars; one submission).

gnomAD v4.1: 15 of 1,614,126 alleles (0.00093%); highest among the groups gnomAD compares: Non-Finnish European, 0.0012%; no homozygotes.

Submission:

Labcorp Genetics (formerly Invitae), Labcorp
Classification: Uncertain significance. Last evaluated: 2025-09-30. Review status: criteria provided, single submitter. Criteria: Invitae Variant Classification Sherloc (09022015). Collection method: clinical testing. Allele origin: germline.
Comment: This sequence change replaces alanine, which is neutral and non-polar, with valine, which is neutral and non-polar, at codon 167 of the PITPNM3 protein (p.Ala167Val). This variant is not present in population databases (gnomAD no frequency). This variant has not been reported in the literature in individuals affected with PITPNM3-related conditions. Invitae Evidence Modeling of protein sequence and biophysical properties (such as structural, functional, and spatial information, amino acid conservation, physicochemical variation, residue mobility, and thermodynamic stability) indicates that this missense variant is not expected to disrupt PITPNM3 protein function with a negative predictive value of 80%. In summary, the available evidence is currently insufficient to determine the role of this variant in disease. Therefore, it has been classified as a Variant of Uncertain Significance.